The following is an entry in ClinVar:

ClinVar aggregate classification (germline): Uncertain significance. Review status: criteria provided, multiple submitters, no conflicts (2 of 4 stars). 2 submissions from 2 submitters: Uncertain significance (2). Last evaluated 2024-05-07.

Allele frequency attached by ClinVar (database versions not stated): TOPMed below 0.00001; gnomAD 0.00001; gnomAD exomes 0.00001.
gnomAD v4.1: 10 of 1,613,258 alleles (0.00062%); highest among the groups gnomAD compares: East Asian, 0.0045%; no homozygotes.

Submissions (2):

Labcorp Genetics (formerly Invitae), Labcorp
Classification: Uncertain significance. Last evaluated: 2024-05-07. Review status: criteria provided, single submitter. Criteria: Invitae Variant Classification Sherloc (09022015). Collection method: clinical testing. Allele origin: germline.
Comment: This sequence change replaces arginine, which is basic and polar, with cysteine, which is neutral and slightly polar, at codon 683 of the OPA1 protein (p.Arg683Cys). This variant is not present in population databases (gnomAD no frequency). This missense change has been observed in individual(s) with autosomal dominant optic atrophy, although other potentially causative variant(s) were also observed in at least one individual (PMID: 33884488). ClinVar contains an entry for this variant (Variation ID: 1315809). Advanced modeling of protein sequence and biophysical properties (such as structural, functional, and spatial information, amino acid conservation, physicochemical variation, residue mobility, and thermodynamic stability) performed at Invitae indicates that this missense variant is not expected to disrupt OPA1 protein function with a negative predictive value of 80%. In summary, the available evidence is currently insufficient to determine the role of this variant in disease. Therefore, it has been classified as a Variant of Uncertain Significance.

GeneDx
Classification: Uncertain significance. Last evaluated: 2019-10-07. Review status: criteria provided, single submitter. Criteria: GeneDx Variant Classification Process June 2021. Collection method: clinical testing. Allele origin: germline. Affected: yes.
Comment: Not observed in large population cohorts (Lek et al., 2016); In silico analysis, which includes protein predictors and evolutionary conservation, supports a deleterious effect; Has not been previously published as pathogenic or benign to our knowledge

Literature cited by the submitters: PubMed 33884488 (cited by Labcorp Genetics (formerly Invitae), Labcorp).

NM_130837.3(OPA1):c.2212C>T (p.Arg738Cys)

Gene: OPA1 (OPA1 mitochondrial dynamin like GTPase; plus strand). Cytogenetic location: 3q29.
Variant type: single nucleotide variant.
Coding change: c.2212C>T on transcript NM_130837.3 (MANE Select); coding-DNA position 2212, C replaced by T.
Protein change: p.Arg738Cys; replaces arginine 738 with cysteine.
Molecular consequence: missense variant.
Genome position (GRCh38, 1-based): chr3:193,657,113, C>T. VCF-style: chr3-193657113-C-T. GRCh37 (hg19) VCF-style: chr3-193374902-C-T.
Other names: c.1678C>T, p.Arg560Cys (NM_001354663.2); c.1675C>T, p.Arg559Cys (NM_001354664.2); c.2047C>T, p.Arg683Cys (NM_015560.3); c.1939C>T, p.Arg647Cys (NM_130831.3); c.1993C>T, p.Arg665Cys (NM_130832.3); c.2050C>T, p.Arg684Cys (NM_130833.3); c.2101C>T, p.Arg701Cys (NM_130834.3); c.2104C>T, p.Arg702Cys (NM_130835.3); and 1 more; short protein forms R559C, R560C, R647C, R665C, R683C, R684C, R701C, R702C.
Identifiers: ClinVar variation 1315809 (VCV001315809.9), dbSNP rs1714040834, ClinGen allele CA355791427.